The following is an entry in ClinVar:

ClinVar aggregate classification (germline): Uncertain significance. Review status: criteria provided, multiple submitters, no conflicts (2 of 4 stars). 2 submissions from 2 submitters: Uncertain significance (2). Last evaluated 2024-09-27.

Conditions:
Cardiovascular phenotype. Identifiers: MedGen CN230736.

Allele frequency attached by ClinVar (database versions not stated): ExAC 0.00001; gnomAD 0.00001; gnomAD exomes 0.00001; TOPMed 0.00001; ESP Exome Variant Server 0.00009.
gnomAD v4.1: 21 of 1,209,415 alleles (0.0017%); highest among the groups gnomAD compares: Non-Finnish European, 0.0012%; no homozygotes.

Submissions (2):

Labcorp Genetics (formerly Invitae), Labcorp
Classification: Uncertain significance. Last evaluated: 2024-09-27. Review status: criteria provided, single submitter. Criteria: Invitae Variant Classification Sherloc (09022015). Collection method: clinical testing. Allele origin: germline.
Comment: This sequence change replaces methionine, which is neutral and non-polar, with isoleucine, which is neutral and non-polar, at codon 62 of the BGN protein (p.Met62Ile). This variant is present in population databases (rs375209182, gnomAD 0.003%). This variant has not been reported in the literature in individuals affected with BGN-related conditions. Invitae Evidence Modeling of protein sequence and biophysical properties (such as structural, functional, and spatial information, amino acid conservation, physicochemical variation, residue mobility, and thermodynamic stability) indicates that this missense variant is not expected to disrupt BGN protein function with a negative predictive value of 80%. In summary, the available evidence is currently insufficient to determine the role of this variant in disease. Therefore, it has been classified as a Variant of Uncertain Significance.

Ambry Genetics
Classification: Uncertain significance for Cardiovascular phenotype. Last evaluated: 2024-09-15. Review status: criteria provided, single submitter. Criteria: Ambry Variant Classification Scheme 2023. Collection method: clinical testing. Allele origin: germline.
Comment: The p.M62I variant (also known as c.186G>A), located in coding exon 1 of the BGN gene, results from a G to A substitution at nucleotide position 186. The methionine at codon 62 is replaced by isoleucine, an amino acid with highly similar properties. This amino acid position is conserved. In addition, the in silico prediction for this alteration is inconclusive. Based on the available evidence, the clinical significance of this variant remains unclear.

NM_001711.6(BGN):c.186G>A (p.Met62Ile)

Gene: BGN (biglycan; plus strand). Cytogenetic location: Xq28.
Variant type: single nucleotide variant.
Coding change: c.186G>A on transcript NM_001711.6 (MANE Select); coding-DNA position 186, G replaced by A.
Protein change: p.Met62Ile; replaces methionine 62 with isoleucine.
Molecular consequence: missense variant.
Genome position (GRCh38, 1-based): chrX:153,504,817, G>A. VCF-style: chrX-153504817-G-A. GRCh37 (hg19) VCF-style: chrX-152770275-G-A.
Other names: c.186G>A (NM_001711.4); short protein forms M62I.
Identifiers: ClinVar variation 2888271 (VCV002888271.4), dbSNP rs375209182, ClinGen allele CA10547145.